The following is an entry in ClinVar:

ClinVar aggregate classification (germline): Conflicting classifications of pathogenicity. Review status: criteria provided, conflicting classifications (1 of 4 stars). 10 submissions from 10 submitters: Uncertain significance (7); Benign (1); Likely benign (2). Last evaluated 2026-01-26.

Conditions:
MSH6-related disorder. Also called: MSH6-Related disorders; MSH6-related condition.
Hereditary nonpolyposis colorectal neoplasms. Identifiers: MedGen C0009405, MeSH D003123.
Hereditary cancer-predisposing syndrome. Also called: Tumor predisposition; Neoplastic Syndromes, Hereditary; Hereditary neoplastic syndrome; Hereditary Cancer Syndrome. Identifiers: Orphanet 140162, MedGen C0027672, MeSH D009386, MONDO:0015356.
Lynch syndrome. Identifiers: Orphanet 144, MedGen C4552100, MONDO:0005835. Disease mechanism: loss of function.
Lynch syndrome 5 (LYNCH5). Also called: Colorectal cancer, hereditary nonpolyposis, type 5; Hereditary non-polyposis colorectal cancer, type 5. Identifiers: Orphanet 144, MedGen C1833477, MONDO:0013710, OMIM 614350. Disease mechanism: loss of function.

Allele frequency attached by ClinVar (database versions not stated): gnomAD 0.00002 and 0.00001; TOPMed 0.00002; gnomAD exomes 0.00003 and 0.00004; ESP Exome Variant Server 0.00008; ExAC 0.00002.
gnomAD v4.1: 60 of 1,613,986 alleles (0.0037%); highest among the groups gnomAD compares: Non-Finnish European, 0.0049%; no homozygotes.

Submissions (10):

Labcorp Genetics (formerly Invitae), Labcorp
Classification: Benign for Hereditary nonpolyposis colorectal neoplasms. Last evaluated: 2026-01-26. Review status: criteria provided, single submitter. Criteria: Invitae Variant Classification Sherloc (09022015). Collection method: clinical testing. Allele origin: germline.

GeneDx
Classification: Uncertain significance. Last evaluated: 2025-08-22. Review status: criteria provided, single submitter. Criteria: GeneDx Variant Classification Process June 2021. Collection method: clinical testing. Allele origin: germline. Affected: yes.
Comment: In silico analysis suggests that this missense variant does not alter protein structure/function; Observed in individuals with a personal history of rectal cancer (PMID: 27432916); This variant is associated with the following publications: (PMID: 23621914, 31391288, 17531815, 21120944, 27432916)

PreventionGenetics, part of Exact Sciences
Classification: Uncertain significance for MSH6-related condition. Last evaluated: 2025-02-12. Review status: criteria provided, single submitter. Criteria: ACMG Guidelines, 2015. Collection method: clinical testing. Allele origin: germline.
Comment: The MSH6 c.2600T>G variant is predicted to result in the amino acid substitution p.Val867Gly. This variant has been identified in an individual with rectal cancer (de Rosa et al. 2016. PubMed ID: 27432916) and in an individual with colon cancer (Li et al. 2019. PubMed ID: 31391288). This variant is reported in 0.0082% of alleles in individuals of African descent in gnomAD. This variant has conflicting interpretations in ClinVar ranging from uncertain to likely benign. At this time, the clinical significance of this variant is uncertain due to the absence of conclusive functional and genetic evidence.

Myriad Genetics, Inc.
Classification: Likely benign for Lynch syndrome 5. Last evaluated: 2024-12-31. Review status: criteria provided, single submitter. Criteria: Myriad Autosomal Dominant, Autosomal Recessive and X-Linked Classification Criteria (2023). Collection method: clinical testing. Allele origin: unknown.
Comment: This variant is considered likely benign. This variant is strongly associated with less severe personal and family histories of cancer, typical for individuals without pathogenic variants in this gene [PMID: 27363726].

All of Us Research Program, National Institutes of Health
Classification: Uncertain significance for Lynch syndrome. Last evaluated: 2024-09-23. Review status: criteria provided, single submitter. Criteria: ACMG Guidelines, 2015. Collection method: clinical testing. Allele origin: germline. Inheritance: Autosomal dominant inheritance. Observed: 12 variant alleles, 12 heterozygotes.
Comment: This missense variant replaces valine with glycine at codon 867 of the MSH6 protein. Computational prediction is inconclusive regarding the impact of this variant on protein structure and function (internally defined REVEL score threshold 0.5 < inconclusive < 0.7, PMID: 27666373). To our knowledge, functional studies have not been performed for this variant. This variant has been reported in an individual affected with early onset, mismatch repair deficient rectal cancer (PMID: 27432916) as well as in an individual affected with an unspecified cancer (PMID: 31391288). In a large breast cancer case-control study, this variant has been reported in 5/60466 cases and 2/53461 unaffected controls (PMID: 33471991). This variant has been identified in 9/281252 chromosomes in the general population by the Genome Aggregation Database (gnomAD). The available evidence is insufficient to determine the role of this variant in disease conclusively. Therefore, this variant is classified as a Variant of Uncertain Significance.

This study involves interpretation of variants in research participants for the purpose of population health screening. Participant phenotype was not available at the time of variant classification. Additional details can be found in publication PMID: 35346344, PMCID: PMC8962531

Color Diagnostics, LLC DBA Color Health
Classification: Uncertain significance for Hereditary cancer-predisposing syndrome. Last evaluated: 2024-01-29. Review status: criteria provided, single submitter. Criteria: ACMG Guidelines, 2015. Collection method: clinical testing. Allele origin: germline.
Comment: This missense variant replaces valine with glycine at codon 867 of the MSH6 protein. Computational prediction is inconclusive regarding the impact of this variant on protein structure and function (internally defined REVEL score threshold 0.5 < inconclusive < 0.7, PMID: 27666373). To our knowledge, functional studies have not been performed for this variant. This variant has been reported in an individual affected with early onset, mismatch repair deficient rectal cancer (PMID: 27432916) as well as in an individual affected with an unspecified cancer (PMID: 31391288). In a large breast cancer case-control study, this variant has been reported in 5/60466 cases and 2/53461 unaffected controls (PMID: 33471991). This variant has been identified in 9/281252 chromosomes in the general population by the Genome Aggregation Database (gnomAD). The available evidence is insufficient to determine the role of this variant in disease conclusively. Therefore, this variant is classified as a Variant of Uncertain Significance.

Women's Health and Genetics/Laboratory Corporation of America, LabCorp
Classification: Uncertain significance. Last evaluated: 2023-06-27. Review status: criteria provided, single submitter. Criteria: LabCorp Variant Classification Summary - May 2015. Collection method: clinical testing. Allele origin: germline.
Comment: Variant summary: MSH6 c.2600T>G (p.Val867Gly) results in a non-conservative amino acid change located in the DNA mismatch repair protein MutS, core domain (IPR007696) of the encoded protein sequence. Three of five in-silico tools predict a benign effect of the variant on protein function. The variant allele was found at a frequency of 3.2e-05 in 249856 control chromosomes (gnomAD). The available data on variant occurrences in the general population are insufficient to allow any conclusion about variant significance. c.2600T>G has been reported in the literature in an individual affected with MMR-deficient rectal cancer (de Rosa_2016) and in an individual from a cohort of patients with primarily Lynch Syndrome-associated cancers whose tumor was microsatellite instable, but the variant was predicted as likely benign by the multifactorial predictive model presented in the publication (Li_2020). These reports do not provide unequivocal conclusions about association of the variant with Lynch Syndrome. To our knowledge, no experimental evidence demonstrating an impact on protein function has been reported. The following publications have been ascertained in the context of this evaluation (PMID: 31391288, 27432916). Six submitters have cited clinical-significance assessments for this variant to ClinVar after 2014 with conflicting assessments, classifiying the variant as either VUS (n=4) or benign (n=1)/likely benign (n=1). Based on the evidence outlined above, the variant was classified as uncertain significance.

Quest Diagnostics Nichols Institute San Juan Capistrano
Classification: Uncertain significance. Last evaluated: 2023-04-17. Review status: criteria provided, single submitter. Criteria: Quest Diagnostics criteria. Collection method: clinical testing. Allele origin: unknown.
Comment: The frequency of this variant in the general population, 0.000082 (2/24294 chromosomes), is uninformative in assessment of its pathogenicity. In the published literature, the variant has been reported in an individual with colorectal cancer (PMID: 27432916 (2016)). A published MSH6-specific algorithm suggested that this variant has no impact on the protein (PMID: 23621914 (2013)). In a large-scale breast cancer association study, the variant was observed in individuals with breast cancer as well as in unaffected individuals (PMID: 33471991 (2021), see also LOVD). Analysis of this variant using bioinformatics tools for the prediction of the effect of amino acid changes on protein structure and function yielded predictions that this variant is benign. Based on the available information, we are unable to determine the clinical significance of this variant.

Ambry Genetics
Classification: Likely benign for Hereditary cancer-predisposing syndrome. Last evaluated: 2020-09-01. Review status: criteria provided, single submitter. Criteria: Ambry Variant Classification Scheme 2023. Collection method: clinical testing. Allele origin: germline.

Genomic Diagnostic Laboratory, Division of Genomic Diagnostics, Children's Hospital of Philadelphia
Classification: Uncertain significance for Lynch syndrome. Last evaluated: 2015-11-19. Review status: criteria provided, single submitter. Criteria: DGD Variant Analysis Guidelines. Collection method: clinical testing. Allele origin: unknown.

Literature cited by the submitters: PubMed 27363726 (cited by Myriad Genetics, Inc.); PubMed 27432916 (cited by 5 submitters); PubMed 31391288 (cited by 3 submitters); PubMed 33471991 (cited by 3 submitters); PubMed 23621914 (cited by Quest Diagnostics Nichols Institute San Juan Capistrano and Ambry Genetics); PubMed 17531815 (cited by Ambry Genetics).

NM_000179.3(MSH6):c.2600T>G (p.Val867Gly)

Gene: MSH6 (mutS homolog 6; plus strand). Cytogenetic location: 2p16.3.
Variant type: single nucleotide variant.
Coding change: c.2600T>G on transcript NM_000179.3 (MANE Select); coding-DNA position 2600, T replaced by G.
Protein change: p.Val867Gly; replaces valine 867 with glycine.
Molecular consequence: missense variant.
Genome position (GRCh38, 1-based): chr2:47,800,583, T>G. VCF-style: chr2-47800583-T-G. GRCh37 (hg19) VCF-style: chr2-48027722-T-G.
Other names: c.2210T>G, p.Val737Gly (NM_001281492.2); c.1694T>G, p.Val565Gly (NM_001281493.2, NM_001281494.2); short protein forms V867G, V737G, V565G.
Identifiers: ClinVar variation 141589 (VCV000141589.35), dbSNP rs139598980, ClinGen allele CA010487.